The following is an entry in ClinVar:

ClinVar aggregate classification (germline): Uncertain significance. Review status: criteria provided, multiple submitters, no conflicts (2 of 4 stars). 2 submissions from 2 submitters: Uncertain significance (2). Last evaluated 2025-04-24.

Conditions:
Arrhythmogenic right ventricular dysplasia 13. Also called: ARRHYTHMOGENIC RIGHT VENTRICULAR CARDIOMYOPATHY 13; Arrhythmogenic right ventricular dysplasia, familial, 13. Identifiers: MedGen C3810138, MONDO:0000908, OMIM 615616.

Allele frequency attached by ClinVar (database versions not stated): TOPMed below 0.00001; gnomAD 0.00001; gnomAD exomes 0.00001; ExAC 0.00001.
gnomAD v4.1: 10 of 1,613,694 alleles (0.00062%); highest among the groups gnomAD compares: Non-Finnish European, 0.00085%; no homozygotes.

Submissions (2):

Ambry Genetics
Classification: Uncertain significance. Last evaluated: 2025-04-24. Review status: criteria provided, single submitter. Criteria: Ambry Variant Classification Scheme 2023. Collection method: clinical testing. Allele origin: germline.
Comment: The p.A131V variant (also known as c.392C>T), located in coding exon 3 of the CTNNA3 gene, results from a C to T substitution at nucleotide position 392. The alanine at codon 131 is replaced by valine, an amino acid with similar properties. This amino acid position is conserved. In addition, the in silico prediction for this alteration is inconclusive. Based on the available evidence, the clinical significance of this variant remains unclear.

Labcorp Genetics (formerly Invitae), Labcorp
Classification: Uncertain significance for Arrhythmogenic right ventricular dysplasia 13. Last evaluated: 2024-10-18. Review status: criteria provided, single submitter. Criteria: Invitae Variant Classification Sherloc (09022015). Collection method: clinical testing. Allele origin: germline.
Comment: This sequence change replaces alanine, which is neutral and non-polar, with valine, which is neutral and non-polar, at codon 131 of the CTNNA3 protein (p.Ala131Val). This variant is present in population databases (rs774544494, gnomAD 0.002%). This variant has not been reported in the literature in individuals affected with CTNNA3-related conditions. ClinVar contains an entry for this variant (Variation ID: 541667). Invitae Evidence Modeling of protein sequence and biophysical properties (such as structural, functional, and spatial information, amino acid conservation, physicochemical variation, residue mobility, and thermodynamic stability) indicates that this missense variant is not expected to disrupt CTNNA3 protein function with a negative predictive value of 80%. In summary, the available evidence is currently insufficient to determine the role of this variant in disease. Therefore, it has been classified as a Variant of Uncertain Significance.

NM_013266.4(CTNNA3):c.392C>T (p.Ala131Val)

Gene: CTNNA3 (catenin alpha 3; minus strand). Cytogenetic location: 10q21.3.
Variant type: single nucleotide variant.
Coding change: c.392C>T on transcript NM_013266.4 (MANE Select); coding-DNA position 392, C replaced by T.
Protein change: p.Ala131Val; replaces alanine 131 with valine.
Molecular consequence: missense variant.
Genome position (GRCh38, 1-based): chr10:67,539,570, G>A on the plus strand (C>T on the coding strand, the complement: CTNNA3 is on the minus strand). VCF-style: chr10-67539570-G-A. GRCh37 (hg19) VCF-style: chr10-69299328-G-A.
Other names: c.392C>T (NM_013266.2); c.392C>T, p.Ala131Val (NM_001127384.3); c.428C>T, p.Ala143Val (NM_001291133.2); short protein forms A131V, A143V.
Identifiers: ClinVar variation 541667 (VCV000541667.7), dbSNP rs774544494, ClinGen allele CA5520635.